The following is an entry in ClinVar:

ClinVar aggregate classification (germline): Uncertain significance. Review status: criteria provided, multiple submitters, no conflicts (2 of 4 stars). 2 submissions from 2 submitters: Uncertain significance (2). Last evaluated 2026-01-12.

Conditions:
Hereditary spastic paraplegia 30. Identifiers: Orphanet 101010, MedGen C5235139, MONDO:0012476.
Neuropathy, hereditary sensory, type 2C. Also called: Hereditary sensory and autonomic neuropathy type IIC; KIF1A-Related HSAN2 (HSAN2C). Identifiers: Orphanet 970, MedGen C3280168, MONDO:0013634, OMIM 614213.
Intellectual disability, autosomal dominant 9 (NESCAVS). Also called: NESCAV SYNDROME; KIF1A-Related Neurodevelopmental Disorder. Identifiers: Orphanet 662367, MedGen C5393830, MONDO:0013656, OMIM 614255.

Submissions (2):

Labcorp Genetics (formerly Invitae), Labcorp
Classification: Uncertain significance for Hereditary spastic paraplegia 30; Neuropathy, hereditary sensory, type 2C; Intellectual disability, autosomal dominant 9. Last evaluated: 2026-01-12. Review status: criteria provided, single submitter. Criteria: Invitae Variant Classification Sherloc (09022015). Collection method: clinical testing. Allele origin: germline.
Comment: This sequence change replaces asparagine, which is neutral and polar, with aspartic acid, which is acidic and polar, at codon 1640 of the KIF1A protein (p.Asn1640Asp). This variant is not present in population databases (gnomAD no frequency). This variant has not been reported in the literature in individuals affected with KIF1A-related conditions. ClinVar contains an entry for this variant (Variation ID: 1707101). Invitae Evidence Modeling of protein sequence and biophysical properties (such as structural, functional, and spatial information, amino acid conservation, physicochemical variation, residue mobility, and thermodynamic stability) indicates that this missense variant is not expected to disrupt KIF1A protein function with a negative predictive value of 95%. In summary, the available evidence is currently insufficient to determine the role of this variant in disease. Therefore, it has been classified as a Variant of Uncertain Significance.

GeneDx
Classification: Uncertain significance. Last evaluated: 2022-03-25. Review status: criteria provided, single submitter. Criteria: GeneDx Variant Classification Process June 2021. Collection method: clinical testing. Allele origin: germline. Affected: yes.
Comment: Not observed at significant frequency in large population cohorts (gnomAD); In silico analysis supports that this missense variant has a deleterious effect on protein structure/function; Has not been previously published as pathogenic or benign to our knowledge; This variant is associated with the following publications: (PMID: 26125038, 21820098, 21376300)

NM_001244008.2(KIF1A):c.5221A>G (p.Asn1741Asp)

Gene: KIF1A (kinesin family member 1A; minus strand). Cytogenetic location: 2q37.3.
Variant type: single nucleotide variant.
Coding change: c.5221A>G on transcript NM_001244008.2 (MANE Select); coding-DNA position 5221, A replaced by G.
Protein change: p.Asn1741Asp; replaces asparagine 1741 with aspartic acid.
Molecular consequence: missense variant.
Genome position (GRCh38, 1-based): chr2:240,718,162, T>C on the plus strand (A>G on the coding strand, the complement: KIF1A is on the minus strand). VCF-style: chr2-240718162-T-C. GRCh37 (hg19) VCF-style: chr2-241657579-T-C.
Other names: c.4945A>G, p.Asn1649Asp (NM_001320705.2, NM_001379649.1); c.4972A>G, p.Asn1658Asp (NM_001330289.2); c.5020A>G, p.Asn1674Asp (NM_001330290.2, NM_001379648.1); c.5296A>G, p.Asn1766Asp (NM_001379631.1); c.5197A>G, p.Asn1733Asp (NM_001379632.1); c.5194A>G, p.Asn1732Asp (NM_001379633.1, NM_001379645.1); c.5047A>G, p.Asn1683Asp (NM_001379634.1); c.5044A>G, p.Asn1682Asp (NM_001379635.1, NM_001379646.1); and 8 more; short protein forms N1628D, N1639D, N1640D, N1648D, N1649D, N1657D, N1658D, N1665D.
Identifiers: ClinVar variation 1707101 (VCV001707101.3), dbSNP rs2536570546, ClinGen allele CA351297644.